The following is an entry in ClinVar:

ClinVar aggregate classification (germline): Uncertain significance (1 of 4 stars; one submission).

Submission:

GeneDx
Classification: Uncertain significance. Last evaluated: 2025-01-31. Review status: criteria provided, single submitter. Criteria: GeneDx Variant Classification Process June 2021. Collection method: clinical testing. Allele origin: germline. Affected: yes.
Comment: Not observed at significant frequency in large population cohorts (gnomAD); In silico analysis supports that this missense variant has a deleterious effect on protein structure/function; Has not been previously published as pathogenic or benign to our knowledge

NM_001353345.2(SETD1B):c.1354C>A (p.Pro452Thr)

Gene: SETD1B (SET domain containing 1B, histone lysine methyltransferase; plus strand). Cytogenetic location: 12q24.31.
Variant type: single nucleotide variant.
Coding change: c.1354C>A on transcript NM_001353345.2 (MANE Select); coding-DNA position 1354, C replaced by A.
Protein change: p.Pro452Thr; replaces proline 452 with threonine.
Molecular consequence: missense variant.
Genome position (GRCh38, 1-based): chr12:121,810,299, C>A. VCF-style: chr12-121810299-C-A. GRCh37 (hg19) VCF-style: chr12-122248205-C-A.
Other names: short protein forms P452T.
Identifiers: ClinVar variation 4072646 (VCV004072646.1).